The following is an entry in ClinVar:

ClinVar aggregate classification (germline): Uncertain significance (1 of 4 stars; one submission).

Conditions:
Autosomal dominant childhood-onset proximal spinal muscular atrophy with contractures (SMALED2A). Also called: SPINAL MUSCULAR ATROPHY, LOWER EXTREMITY-PREDOMINANT, 2A, CHILDHOOD ONSET, AUTOSOMAL DOMINANT; Spinal muscular atrophy, lower extremity-predominant, 2A, autosomal dominant. Identifiers: Orphanet 363447, Orphanet 363454, MedGen C4747715, MONDO:0014121, OMIM 615290.

gnomAD v4.1: 1 of 1,614,078 alleles (0.000062%); highest among the groups gnomAD compares: Non-Finnish European, 0.000085%; no homozygotes.

Submission:

Labcorp Genetics (formerly Invitae), Labcorp
Classification: Uncertain significance for Autosomal dominant childhood-onset proximal spinal muscular atrophy with contractures. Last evaluated: 2024-04-03. Review status: criteria provided, single submitter. Criteria: Invitae Variant Classification Sherloc (09022015). Collection method: clinical testing. Allele origin: germline.
Comment: This sequence change replaces valine, which is neutral and non-polar, with leucine, which is neutral and non-polar, at codon 441 of the BICD2 protein (p.Val441Leu). This variant is not present in population databases (gnomAD no frequency). This variant has not been reported in the literature in individuals affected with BICD2-related conditions. Advanced modeling of protein sequence and biophysical properties (such as structural, functional, and spatial information, amino acid conservation, physicochemical variation, residue mobility, and thermodynamic stability) performed at Invitae indicates that this missense variant is not expected to disrupt BICD2 protein function with a negative predictive value of 80%. In summary, the available evidence is currently insufficient to determine the role of this variant in disease. Therefore, it has been classified as a Variant of Uncertain Significance.

NM_001003800.2(BICD2):c.1321G>T (p.Val441Leu)

Gene: BICD2 (BICD cargo adaptor 2; minus strand). Cytogenetic location: 9q22.31.
Variant type: single nucleotide variant.
Coding change: c.1321G>T on transcript NM_001003800.2 (MANE Select); coding-DNA position 1321, G replaced by T.
Protein change: p.Val441Leu; replaces valine 441 with leucine.
Molecular consequence: missense variant.
Genome position (GRCh38, 1-based): chr9:92,719,324, C>A on the plus strand (G>T on the coding strand, the complement: BICD2 is on the minus strand). VCF-style: chr9-92719324-C-A. GRCh37 (hg19) VCF-style: chr9-95481606-C-A.
Other names: c.1321G>T, p.Val441Leu (NM_015250.4); short protein forms V441L.
Identifiers: ClinVar variation 3721111 (VCV003721111.2).